The following is an entry in ClinVar:

ClinVar aggregate classification (germline): Uncertain significance (1 of 4 stars; one submission).

Submission:

Mayo Clinic Laboratories, Mayo Clinic
Classification: Uncertain significance. Last evaluated: 2023-04-25. Review status: criteria provided, single submitter. Criteria: ACMG Guidelines, 2015. Collection method: clinical testing. Allele origin: germline. Observed: 1 variant allele.
Comment: BP4, PM2

NM_000426.4(LAMA2):c.1336A>G (p.Thr446Ala)

Gene: LAMA2 (laminin subunit alpha 2; plus strand). Cytogenetic location: 6q22.33.
Variant type: single nucleotide variant.
Coding change: c.1336A>G on transcript NM_000426.4 (MANE Select); coding-DNA position 1336, A replaced by G.
Protein change: p.Thr446Ala; replaces threonine 446 with alanine.
Molecular consequence: missense variant.
Genome position (GRCh38, 1-based): chr6:129,177,735, A>G. VCF-style: chr6-129177735-A-G. GRCh37 (hg19) VCF-style: chr6-129498880-A-G.
Other names: p.Thr446Ala; c.1336A>G, p.Thr446Ala (NM_001079823.2); short protein forms T446A.
Identifiers: ClinVar variation 2682951 (VCV002682951.1), dbSNP rs2482725086, ClinGen allele CA365607450.